The following is an entry in ClinVar:

NM_000492.4(CFTR):c.1210-19_1210-13del

Genes: CFTR (CF transmembrane conductance regulator; plus strand), CFTR-AS1 (CFTR antisense RNA 1; minus strand). Cytogenetic location: 7q31.2.
Variant type: Deletion.
Coding change: c.1210-19_1210-13del on transcript NM_000492.4 (MANE Select); 19 bases into the intron before coding-DNA position 1210 through 13 bases into the intron before coding-DNA position 1210, 7 bases deleted (GTGTGTG; older notation c.1210-19_1210-13delGTGTGTG).
Molecular consequence: intron variant.
Genome position (GRCh38, 1-based): chr7:117,548,622-117,548,628, GTGTGTG deleted. VCF-style (leftmost placement, unchanged base first): chr7-117548621-TGTGTGTG-T. GRCh37 (hg19) VCF-style: chr7-117188675-TGTGTGTG-T.
Identifiers: ClinVar variation 3049586 (VCV003049586.3), dbSNP rs1230197379, ClinGen allele CA577680189.

ClinVar aggregate classification (germline): Likely benign. Review status: criteria provided, single submitter (1 of 4 stars). 2 submissions from 2 submitters: Likely benign (1). 1 of the submissions does not count toward it. Last evaluated 2024-10-08.

Conditions:
CFTR-related disorder (CFTR-RD). Also called: CFTR-related condition; CFTR-related disorders. Identifiers: MedGen C5924204, MONDO:7770004.

Submissions (2):

Blueprint Genetics
Classification: Likely benign. Last evaluated: 2024-10-08. Review status: criteria provided, single submitter. Criteria: ACMG Guidelines, 2015. Collection method: clinical testing. Allele origin: germline.

PreventionGenetics, part of Exact Sciences
Classification: Likely benign for CFTR-related condition. Last evaluated: 2021-07-04. Review status: no assertion criteria provided. Collection method: clinical testing. Allele origin: germline. Not counted in ClinVar's aggregate classification.
Comment: This variant is classified as likely benign based on ACMG/AMP sequence variant interpretation guidelines (Richards et al. 2015 PMID: 25741868, with internal and published modifications).